The following is an entry in ClinVar:

ClinVar aggregate classification (germline): Uncertain significance. Review status: criteria provided, multiple submitters, no conflicts (2 of 4 stars). 2 submissions from 2 submitters: Uncertain significance (2). Last evaluated 2025-10-05.

gnomAD v4.1: 9 of 1,612,770 alleles (0.00056%); highest among the groups gnomAD compares: Non-Finnish European, 0.00076%; no homozygotes.

Submissions (2):

Labcorp Genetics (formerly Invitae), Labcorp
Classification: Uncertain significance. Last evaluated: 2025-10-05. Review status: criteria provided, single submitter. Criteria: Invitae Variant Classification Sherloc (09022015). Collection method: clinical testing. Allele origin: germline.
Comment: This sequence change replaces glutamine, which is neutral and polar, with leucine, which is neutral and non-polar, at codon 742 of the MYO3A protein (p.Gln742Leu). This variant is present in population databases (rs767458875, gnomAD 0.0009%). This variant has not been reported in the literature in individuals affected with MYO3A-related conditions. Invitae Evidence Modeling of protein sequence and biophysical properties (such as structural, functional, and spatial information, amino acid conservation, physicochemical variation, residue mobility, and thermodynamic stability) has been performed for this missense variant. However, the output from this modeling did not meet the statistical confidence thresholds required to predict the impact of this variant on MYO3A protein function. In summary, the available evidence is currently insufficient to determine the role of this variant in disease. Therefore, it has been classified as a Variant of Uncertain Significance.

Blueprint Genetics
Classification: Uncertain significance. Last evaluated: 2024-11-13. Review status: criteria provided, single submitter. Criteria: ACMG Guidelines, 2015. Collection method: clinical testing. Allele origin: germline.

NM_017433.5(MYO3A):c.2225A>T (p.Gln742Leu)

Gene: MYO3A (myosin IIIA; plus strand). Cytogenetic location: 10p12.1.
Variant type: single nucleotide variant.
Coding change: c.2225A>T on transcript NM_017433.5 (MANE Select); coding-DNA position 2225, A replaced by T.
Protein change: p.Gln742Leu; replaces glutamine 742 with leucine.
Molecular consequence: missense variant.
Genome position (GRCh38, 1-based): chr10:26,128,501, A>T. VCF-style: chr10-26128501-A-T. GRCh37 (hg19) VCF-style: chr10-26417430-A-T.
Other names: short protein forms Q742L.
Identifiers: ClinVar variation 4702251 (VCV004702251.2).